The following is an entry in ClinVar:

ClinVar aggregate classification (germline): Uncertain significance (1 of 4 stars; one submission).

Conditions:
Congenital sideroblastic anemia-B-cell immunodeficiency-periodic fever-developmental delay syndrome. Also called: Sideroblastic anemia with B-cell immunodeficiency, periodic fevers, and developmental delay. Identifiers: Orphanet 369861, MedGen C4015172, MONDO:0014487, OMIM 616084.

Allele frequency attached by ClinVar (database versions not stated): gnomAD exomes below 0.00001.

Submission:

Labcorp Genetics (formerly Invitae), Labcorp
Classification: Uncertain significance for Congenital sideroblastic anemia-B-cell immunodeficiency-periodic fever-developmental delay syndrome. Last evaluated: 2021-11-15. Review status: criteria provided, single submitter. Criteria: Invitae Variant Classification Sherloc (09022015). Collection method: clinical testing. Allele origin: germline.
Comment: In summary, the available evidence is currently insufficient to determine the role of this variant in disease. Therefore, it has been classified as a Variant of Uncertain Significance. This variant disrupts the p.Ile223 amino acid residue in TRNT1. Other variant(s) that disrupt this residue have been determined to be pathogenic (Invitae). This suggests that this residue is clinically significant, and that variants that disrupt this residue are likely to be disease-causing. Algorithms developed to predict the effect of missense changes on protein structure and function are either unavailable or do not agree on the potential impact of this missense change (SIFT: "Tolerated"; PolyPhen-2: "Probably Damaging"; Align-GVGD: "Class C0"). This variant has not been reported in the literature in individuals affected with TRNT1-related conditions. This variant is not present in population databases (gnomAD no frequency). This sequence change replaces isoleucine, which is neutral and non-polar, with methionine, which is neutral and non-polar, at codon 223 of the TRNT1 protein (p.Ile223Met).

NM_182916.3(TRNT1):c.669T>G (p.Ile223Met)

Gene: TRNT1 (tRNA nucleotidyl transferase 1; plus strand). Cytogenetic location: 3p26.2.
Variant type: single nucleotide variant.
Coding change: c.669T>G on transcript NM_182916.3 (MANE Select); coding-DNA position 669, T replaced by G.
Protein change: p.Ile223Met; replaces isoleucine 223 with methionine.
Molecular consequence: missense variant. On other transcripts: non-coding transcript variant (6).
Genome position (GRCh38, 1-based): chr3:3,146,490, T>G. VCF-style: chr3-3146490-T-G. GRCh37 (hg19) VCF-style: chr3-3188174-T-G.
Other names: c.669T>G, p.Ile223Met (NM_001302946.2, NM_001367321.1, NM_001367322.1 and 1 more transcripts); short protein forms I223M.
Identifiers: ClinVar variation 1404614 (VCV001404614.5), dbSNP rs2126034798, ClinGen allele CA351447049.